The following is an entry in ClinVar:

NM_001363711.2(DUOX2):c.2294A>C (p.Glu765Ala)

Gene: DUOX2 (dual oxidase 2; minus strand). Cytogenetic location: 15q21.1.
Variant type: single nucleotide variant.
Coding change: c.2294A>C on transcript NM_001363711.2 (MANE Select); coding-DNA position 2294, A replaced by C.
Protein change: p.Glu765Ala; replaces glutamic acid 765 with alanine.
Molecular consequence: missense variant.
Genome position (GRCh38, 1-based): chr15:45,105,683, T>G on the plus strand (A>C on the coding strand, the complement: DUOX2 is on the minus strand). VCF-style: chr15-45105683-T-G. GRCh37 (hg19) VCF-style: chr15-45397881-T-G.
Other names: c.2294A>C, p.Glu765Ala (NM_014080.5); short protein forms E765A.
Identifiers: ClinVar variation 3693904 (VCV003693904.2).
Genomic context (GRCh38, chr15:45,105,683, plus strand): 5'-AAAGGCACAGGTCATGGCACCTGAGCAAAAAGGTGTCTGAAGAAGATCTCCAGGATGCGT[T>G]CCCGCTGCTGCTTTGTCACAGCCTTCCTAAATAGCTCCTTCTCGCTCATCTCAGCCACAT-3'
Protein context (NP_001350640.1, residues 755-775): FRKAVTKQQR[Glu765Ala]RILEIFFRHL

ClinVar aggregate classification (germline): Uncertain significance (1 of 4 stars; one submission).

Submission:

Labcorp Genetics (formerly Invitae), Labcorp
Classification: Uncertain significance. Last evaluated: 2024-03-24. Review status: criteria provided, single submitter. Criteria: Invitae Variant Classification Sherloc (09022015). Collection method: clinical testing. Allele origin: germline.
Comment: This sequence change replaces glutamic acid, which is acidic and polar, with alanine, which is neutral and non-polar, at codon 765 of the DUOX2 protein (p.Glu765Ala). This variant is not present in population databases (gnomAD no frequency). This variant has not been reported in the literature in individuals affected with DUOX2-related conditions. Advanced modeling of protein sequence and biophysical properties (such as structural, functional, and spatial information, amino acid conservation, physicochemical variation, residue mobility, and thermodynamic stability) performed at Invitae indicates that this missense variant is not expected to disrupt DUOX2 protein function with a negative predictive value of 80%. In summary, the available evidence is currently insufficient to determine the role of this variant in disease. Therefore, it has been classified as a Variant of Uncertain Significance.